The following is an entry in ClinVar:

ClinVar aggregate classification (germline): Uncertain significance (1 of 4 stars; one submission).

Conditions:
Cardiovascular phenotype. Identifiers: MedGen CN230736.

Submissions (2):

Ambry Genetics
Classification: Uncertain significance for Cardiovascular phenotype. Last evaluated: 2022-09-24. Review status: criteria provided, single submitter. Criteria: Ambry Variant Classification Scheme 2023. Collection method: clinical testing. Allele origin: germline.
Comment: The p.Q22H variant (also known as c.66G>T), located in coding exon 1 of the KCNE1 gene, results from a G to T substitution at nucleotide position 66. The glutamine at codon 22 is replaced by histidine, an amino acid with highly similar properties. This amino acid position is conserved. In addition, this alteration is predicted to be tolerated by in silico analysis. Since supporting evidence is limited at this time, the clinical significance of this alteration remains unclear.

Roden Lab, Vanderbilt University Medical Center
No classification provided (evidence only). Condition: Long QT syndrome 5. Review status: no classification provided. Collection method: in vitro. Allele origin: not applicable. Functional consequence: Effect on ion channel function. Not counted in ClinVar's aggregate classification.
ClinVar note: "not provided" was previously submitted as the classification for the variant. However, the classification appeared to be based only on an observation of functional data so it was converted to no classification on 2025-07-30.

NM_000219.6(KCNE1):c.66G>T (p.Gln22His)

Gene: KCNE1 (potassium voltage-gated channel subfamily E regulatory subunit 1; minus strand). Cytogenetic location: 21q22.12.
Variant type: single nucleotide variant.
Coding change: c.66G>T on transcript NM_000219.6 (MANE Select); coding-DNA position 66, G replaced by T.
Protein change: p.Gln22His; replaces glutamine 22 with histidine.
Molecular consequence: missense variant.
Genome position (GRCh38, 1-based): chr21:34,449,569, C>A on the plus strand (G>T on the coding strand, the complement: KCNE1 is on the minus strand). VCF-style: chr21-34449569-C-A. GRCh37 (hg19) VCF-style: chr21-35821867-C-A.
Other names: c.66G>T, p.Gln22His (NM_001127668.4, NM_001127669.4, NM_001127670.4 and 4 more transcripts); short protein forms Q22H.
Identifiers: ClinVar variation 1754995 (VCV001754995.4), dbSNP rs1473555254, ClinGen allele CA410198543.
Genomic context (GRCh38, chr21:34,449,569, plus strand): 5'-CAGCTTGCCGTCACTGCTGCGGGGGGACCTGCGGGCCAGGCCCGACATGTTGCCACCCTG[C>A]TGAACTGTCTCCTGCCACAGCTTGGTCAGAAAGGGCGTCACCGCTGTGGTGTTAGACAGG-3'
Protein context (NP_000210.2, residues 12-32): FLTKLWQETV[Gln22His]QGGNMSGLAR